The following is an entry in ClinVar:

NM_002691.4(POLD1):c.2098G>A (p.Val700Ile)

Gene: POLD1 (DNA polymerase delta 1, catalytic subunit; plus strand). Cytogenetic location: 19q13.33.
Variant type: single nucleotide variant.
Coding change: c.2098G>A on transcript NM_002691.4 (MANE Select); coding-DNA position 2098, G replaced by A.
Protein change: p.Val700Ile; replaces valine 700 with isoleucine.
Molecular consequence: missense variant. On other transcripts: non-coding transcript variant (1).
Genome position (GRCh38, 1-based): chr19:50,409,610, G>A. VCF-style: chr19-50409610-G-A. GRCh37 (hg19) VCF-style: chr19-50912867-G-A.
Other names: c.2098G>A, p.Val700Ile (NM_001256849.1); c.2176G>A, p.Val726Ile (NM_001308632.1); c.2098G>A (NM_002691.2); short protein forms V700I, V726I.
Identifiers: ClinVar variation 537116 (VCV000537116.10), dbSNP rs868562435, ClinGen allele CA309602115.
Genomic context (GRCh38, chr19:50,409,610, plus strand): 5'-CCCCTCCGGCGCCAGGTCCTGGATGGACGGCAGCTGGCGCTGAAGGTGAGCGCCAACTCC[G>A]TATACGGCTTCACTGGCGCCCAGGTGGGCAAGTTGCCGTGCCTGGAGATCTCACAGGTGG-3'
Protein context (NP_002682.2, residues 690-710): QLALKVSANS[Val700Ile]YGFTGAQVGK

ClinVar aggregate classification (germline): Uncertain significance. Review status: criteria provided, multiple submitters, no conflicts (2 of 4 stars). 3 submissions from 3 submitters: Uncertain significance (3). Last evaluated 2025-08-08.

Conditions:
Hereditary cancer-predisposing syndrome. Also called: Tumor predisposition; Neoplastic Syndromes, Hereditary; Hereditary Cancer Syndrome; Hereditary neoplastic syndrome. Identifiers: Orphanet 140162, MedGen C0027672, MeSH D009386, MONDO:0015356.
POLD1-related polyposis and colorectal cancer syndrome (CRCS10). Also called: Colorectal cancer 10; COLORECTAL CANCER, SUSCEPTIBILITY TO, ON CHROMOSOME 19q; Colorectal cancer, susceptibility to, 10. Identifiers: Orphanet 220460, MedGen C2675481, MONDO:0012953, OMIM 612591.

Allele frequency attached by ClinVar (database versions not stated): gnomAD exomes below 0.00001.
gnomAD v4.1: 6 of 1,611,464 alleles (0.00037%); highest among the groups gnomAD compares: Non-Finnish European, 0.00042%; no homozygotes.

Submissions (3):

Ambry Genetics
Classification: Uncertain significance for Hereditary cancer-predisposing syndrome. Last evaluated: 2025-08-08. Review status: criteria provided, single submitter. Criteria: Ambry Variant Classification Scheme 2023. Collection method: clinical testing. Allele origin: germline.
Comment: The p.V700I variant (also known as c.2098G>A), located in coding exon 16 of the POLD1 gene, results from a G to A substitution at nucleotide position 2098. The valine at codon 700 is replaced by isoleucine, an amino acid with highly similar properties. This amino acid position is highly conserved in available vertebrate species. In addition, this alteration is predicted to be tolerated by in silico analysis. Based on the available evidence, the clinical significance of this variant remains unclear.

GeneDx
Classification: Uncertain significance. Last evaluated: 2025-02-04. Review status: criteria provided, single submitter. Criteria: GeneDx Variant Classification Process June 2021. Collection method: clinical testing. Allele origin: germline. Affected: yes.
Comment: Not observed at significant frequency in large population cohorts (gnomAD); In silico analysis indicates that this missense variant does not alter protein structure/function; Has not been previously published as pathogenic or benign to our knowledge; This variant is associated with the following publications: (PMID: 20951805)

Labcorp Genetics (formerly Invitae), Labcorp
Classification: Uncertain significance for POLD1-related polyposis and colorectal cancer syndrome. Last evaluated: 2023-10-25. Review status: criteria provided, single submitter. Criteria: Invitae Variant Classification Sherloc (09022015). Collection method: clinical testing. Allele origin: germline.
Comment: This sequence change replaces valine, which is neutral and non-polar, with isoleucine, which is neutral and non-polar, at codon 700 of the POLD1 protein (p.Val700Ile). This variant is present in population databases (no rsID available, gnomAD 0.004%). This variant has not been reported in the literature in individuals affected with POLD1-related conditions. ClinVar contains an entry for this variant (Variation ID: 537116). Advanced modeling of protein sequence and biophysical properties (such as structural, functional, and spatial information, amino acid conservation, physicochemical variation, residue mobility, and thermodynamic stability) performed at Invitae indicates that this missense variant is not expected to disrupt POLD1 protein function with a negative predictive value of 80%. In summary, the available evidence is currently insufficient to determine the role of this variant in disease. Therefore, it has been classified as a Variant of Uncertain Significance.